The following is an entry in ClinVar:

NM_003072.5(SMARCA4):c.2974-9C>T

Gene: SMARCA4 (SWI/SNF related BAF chromatin remodeling complex subunit ATPase 4; plus strand). Cytogenetic location: 19p13.2.
Variant type: single nucleotide variant.
Coding change: c.2974-9C>T on transcript NM_003072.5 (MANE Select); 9 bases into the intron before coding-DNA position 2974, C replaced by T.
Molecular consequence: intron variant.
Genome position (GRCh38, 1-based): chr19:11,024,322, C>T. VCF-style: chr19-11024322-C-T. GRCh37 (hg19) VCF-style: chr19-11134998-C-T.
Other names: c.2974-9C>T (NM_001128844.3, NM_001128849.3, NM_001128847.4 and 5 more transcripts).
Identifiers: ClinVar variation 470329 (VCV000470329.12), dbSNP rs371801361, ClinGen allele CA305276132.

ClinVar aggregate classification (germline): Likely benign. Review status: criteria provided, multiple submitters, no conflicts (2 of 4 stars). 2 submissions from 2 submitters: Likely benign (2). Last evaluated 2026-07-07.

Conditions:
Rhabdoid tumor predisposition syndrome 2 (RTPS2). Identifiers: Orphanet 231108, Orphanet 69077, MedGen C2750074, MONDO:0013224, OMIM 613325.

Allele frequency attached by ClinVar (database versions not stated): gnomAD 0.00001; TOPMed 0.00001.

Submissions (2):

Myriad Genetics, Inc.
Classification: Likely benign for Rhabdoid tumor predisposition syndrome 2. Last evaluated: 2026-07-07. Review status: criteria provided, single submitter. Criteria: Myriad Autosomal Dominant, Autosomal Recessive and X-Linked Classification Criteria (2023). Collection method: clinical testing. Allele origin: unknown.
Comment: This variant is considered likely benign. This variant is intronic and is not expected to impact mRNA splicing.

Labcorp Genetics (formerly Invitae), Labcorp
Classification: Likely benign for Rhabdoid tumor predisposition syndrome 2. Last evaluated: 2026-01-27. Review status: criteria provided, single submitter. Criteria: Invitae Variant Classification Sherloc (09022015). Collection method: clinical testing. Allele origin: germline.